The following is an entry in ClinVar:

ClinVar aggregate classification (germline): Uncertain significance (1 of 4 stars; one submission).

Submission:

CeGaT Center for Human Genetics Tuebingen
Classification: Uncertain significance. Last evaluated: 2023-08-01. Review status: criteria provided, single submitter. Criteria: CeGaT Center For Human Genetics Tuebingen Variant Classification Criteria Version 2. Collection method: clinical testing. Allele origin: germline. Affected: yes. Observed: 1 variant allele.
Comment: ADAMTS2: PM2, BP4

NM_014244.5(ADAMTS2):c.3485A>G (p.Asp1162Gly)

Gene: ADAMTS2 (ADAM metallopeptidase with thrombospondin type 1 motif 2; minus strand). Cytogenetic location: 5q35.3.
Variant type: single nucleotide variant.
Coding change: c.3485A>G on transcript NM_014244.5 (MANE Select); coding-DNA position 3485, A replaced by G.
Protein change: p.Asp1162Gly; replaces aspartic acid 1162 with glycine.
Molecular consequence: missense variant.
Genome position (GRCh38, 1-based): chr5:179,114,018, T>C on the plus strand (A>G on the coding strand, the complement: ADAMTS2 is on the minus strand). VCF-style: chr5-179114018-T-C. GRCh37 (hg19) VCF-style: chr5-178541019-T-C.
Other names: short protein forms D1162G.
Identifiers: ClinVar variation 2656131 (VCV002656131.24), dbSNP rs2480126893, ClinGen allele CA362410939.